The following is an entry in ClinVar:

NM_182961.4(SYNE1):c.12795-19C>A

Gene: SYNE1 (spectrin repeat containing nuclear envelope protein 1; minus strand). Cytogenetic location: 6q25.2.
Variant type: single nucleotide variant.
Coding change: c.12795-19C>A on transcript NM_182961.4 (MANE Select); 19 bases into the intron before coding-DNA position 12795, C replaced by A.
Molecular consequence: intron variant.
Genome position (GRCh38, 1-based): chr6:152,331,909, G>T on the plus strand (C>A on the coding strand, the complement: SYNE1 is on the minus strand). VCF-style: chr6-152331909-G-T. GRCh37 (hg19) VCF-style: chr6-152653044-G-T.
Other names: c.12582-19C>A (NM_033071.5).
Identifiers: ClinVar variation 390541 (VCV000390541.1), dbSNP rs1057523811, ClinGen allele CA16604895.

ClinVar aggregate classification (germline): Likely benign (1 of 4 stars; one submission).

Allele frequency attached by ClinVar (database versions not stated): TOPMed below 0.00001.

Submission:

GeneDx
Classification: Likely benign. Last evaluated: 2016-11-15. Review status: criteria provided, single submitter. Criteria: GeneDx Variant Classification (06012015). Collection method: clinical testing. Allele origin: germline. Affected: yes.
Comment: This variant is considered likely benign or benign based on one or more of the following criteria: it is a conservative change, it occurs at a poorly conserved position in the protein, it is predicted to be benign by multiple in silico algorithms, and/or has population frequency not consistent with disease.